The following is an entry in ClinVar:

NM_001943.5(DSG2):c.1014+5G>A

Gene: DSG2 (desmoglein 2; plus strand). Cytogenetic location: 18q12.1.
Variant type: single nucleotide variant.
Coding change: c.1014+5G>A on transcript NM_001943.5 (MANE Select); 5 bases into the intron after coding-DNA position 1014, G replaced by A.
Molecular consequence: intron variant.
Genome position (GRCh38, 1-based): chr18:31,524,893, G>A. VCF-style: chr18-31524893-G-A. GRCh37 (hg19) VCF-style: chr18-29104856-G-A.
Identifiers: ClinVar variation 3069545 (VCV003069545.1), dbSNP rs2144323389, ClinGen allele CA2641406238.

ClinVar aggregate classification (germline): Uncertain significance (1 of 4 stars; one submission).

Conditions:
Arrhythmogenic right ventricular cardiomyopathy (ARVD). Also called: Arrhythmogenic right ventricular dysplasia; Cardiomyopathy, ARVC; Arrhythmogenic cardiomyopathy; Arrhythmogenic Right Ventricular Cardiomyopathy (ARVC). Identifiers: Orphanet 247, MedGen C0349788, MeSH D019571, MONDO:0016587. Disease mechanism: loss of function. Inheritance: Various modes of inheritance.

gnomAD v4.1: 3 of 1,614,064 alleles (0.00019%); highest among the groups gnomAD compares: Non-Finnish European, 0.00025%; no homozygotes.

Submission:

All of Us Research Program, National Institutes of Health
Classification: Uncertain significance for Arrhythmogenic right ventricular cardiomyopathy. Last evaluated: 2023-02-24. Review status: criteria provided, single submitter. Criteria: ACMG Guidelines, 2015. Collection method: clinical testing. Allele origin: germline. Inheritance: Autosomal dominant inheritance. Observed: 1 variant allele, 1 heterozygote.
Comment: This variant causes a G to A nucleotide substitution at the +5 position of intron 8 of the DSG2 gene. To our knowledge, functional studies have not been reported for this variant. This variant has not been reported in individuals affected with DSG2-related disorders in the literature. This variant has not been identified in the general population by the Genome Aggregation Database (gnomAD). The available evidence is insufficient to determine the role of this variant in disease conclusively. Therefore, this variant is classified as a Variant of Uncertain Significance.

This study involves interpretation of variants in research participants for the purpose of population health screening. Participant phenotype was not available at the time of variant classification. Additional details can be found in publication PMID: 35346344, PMCID: PMC8962531